The following is an entry in ClinVar:

ClinVar aggregate classification (germline): Likely benign. Review status: criteria provided, multiple submitters, no conflicts (2 of 4 stars). 2 submissions from 2 submitters: Likely benign (2). Last evaluated 2023-04-28.

Conditions:
Glutaric aciduria, type 1. Also called: GA I; Glutaricacidemia Type 1; Glutaricaciduria, type I; Glutaric Acidemia Type 1; Glutaryl-CoA dehydrogenase deficiency; Glutaric acidemia type I. Identifiers: Orphanet 25, MedGen C0268595, MONDO:0009281, OMIM 231670.

Submissions (2):

Labcorp Genetics (formerly Invitae), Labcorp
Classification: Likely benign for Glutaric aciduria, type 1. Last evaluated: 2023-04-28. Review status: criteria provided, single submitter. Criteria: Invitae Variant Classification Sherloc (09022015). Collection method: clinical testing. Allele origin: germline.

Women's Health and Genetics/Laboratory Corporation of America, LabCorp
Classification: Likely benign. Last evaluated: 2021-11-26. Review status: criteria provided, single submitter. Criteria: LabCorp Variant Classification Summary - May 2015. Collection method: clinical testing. Allele origin: germline.
Comment: Variant summary: GCDH c.15C>A results in a synonymous change. The variant was absent in 245880 control chromosomes. The available data on variant occurrences in the general population are insufficient to allow any conclusion about variant significance. To our knowledge, no occurrence of c.15C>A in individuals affected with Glutaric Acidemia Type 1 and no experimental evidence demonstrating its impact on protein function have been reported. One clinical diagnostic laboratory has submitted clinical-significance assessments for this variant to ClinVar after 2014 without evidence for independent evaluation and classified the variant as likely benign. Based on the evidence outlined above, the variant was classified as likely benign.

NM_000159.4(GCDH):c.15C>A (p.Gly5=)

Genes: GCDH (glutaryl-CoA dehydrogenase; plus strand), LOC117125594 (CRISPRi-FlowFISH-validated KLF1 regulatory element; plus strand). Cytogenetic location: 19p13.13.
Variant type: single nucleotide variant.
Coding change: c.15C>A on transcript NM_000159.4 (MANE Select); coding-DNA position 15, C replaced by A.
Protein change: p.Gly5=; no amino-acid change (glycine 5 retained).
Molecular consequence: synonymous variant. On other transcripts: non-coding transcript variant (2).
Genome position (GRCh38, 1-based): chr19:12,891,319, C>A. VCF-style: chr19-12891319-C-A. GRCh37 (hg19) VCF-style: chr19-13002133-C-A.
Other names: c.15C>A, p.Gly5= (NM_013976.5).
Identifiers: ClinVar variation 1130608 (VCV001130608.10), dbSNP rs2145938210, ClinGen allele CA505639865.